The following is an entry in ClinVar:

ClinVar aggregate classification (germline): Pathogenic (1 of 4 stars; one submission).

Conditions:
Neurofibromatosis, type 1 (NF1). Also called: VON RECKLINGHAUSEN DISEASE; Peripheral type neurofibromatosis; NEUROFIBROMATOSIS, TYPE I, SOMATIC; Neurofibromatosis, type I. Identifiers: Orphanet 636, MedGen C0027831, MONDO:0018975, OMIM 162200. Disease mechanism: loss of function.

Submission:

Labcorp Genetics (formerly Invitae), Labcorp
Classification: Pathogenic for Neurofibromatosis, type 1. Last evaluated: 2018-04-01. Review status: criteria provided, single submitter. Criteria: Invitae Variant Classification Sherloc (09022015). Collection method: clinical testing. Allele origin: germline.
Comment: This sequence change creates a premature translational stop signal (p.Gly1166Alafs*2) in the NF1 gene. It is expected to result in an absent or disrupted protein product. This variant is not present in population databases (ExAC no frequency). This variant has not been reported in the literature in individuals with NF1-related disease. Loss-of-function variants in NF1 are known to be pathogenic (PMID: 10712197, 23913538). For these reasons, this variant has been classified as Pathogenic.

Literature cited by the submitters: PubMed 10712197; PubMed 23913538.

NC_000017.11:g.31233002del

Gene: NF1 (neurofibromin 1; plus strand). Cytogenetic location: 17q11.2.
Variant type: Deletion.
Genome position: GRCh38 VCF-style: chr17-31233000-AG-A. GRCh37 (hg19) VCF-style: chr17-29560018-AG-A.
Identifiers: ClinVar variation 581647 (VCV000581647.7), dbSNP rs1567851231, ClinGen allele CA891843817.